The following is an entry in ClinVar:

NM_030653.4(DDX11):c.442C>T (p.Gln148Ter)

Gene: DDX11 (DEAD/H-box helicase 11; plus strand). Cytogenetic location: 12p11.21.
Variant type: single nucleotide variant.
Coding change: c.442C>T on transcript NM_030653.4 (MANE Select); coding-DNA position 442, C replaced by T.
Protein change: p.Gln148Ter; replaces glutamine 148 with a stop codon.
Molecular consequence: nonsense. On other transcripts: 5 prime UTR variant (5), non-coding transcript variant (4), intron variant (1).
Genome position (GRCh38, 1-based): chr12:31,084,631, C>T. VCF-style: chr12-31084631-C-T. GRCh37 (hg19) VCF-style: chr12-31237565-C-T.
Other names: c.442C>T, p.Gln148Ter (NM_001257144.2, NM_001413692.1, NM_001413693.1 and 5 more transcripts); c.364C>T, p.Gln122Ter (NM_001257145.2, NM_001413697.1, NM_001413698.1 and 1 more transcripts); c.-87C>T (NM_001413702.1, NM_001413703.1); c.-619C>T (NM_001413704.1, NM_001413705.1); c.-437C>T (NM_001413706.1); c.394-338C>T (NM_001413700.1); short protein forms Q122*, Q148*.
Identifiers: ClinVar variation 4535702 (VCV004535702.1).
Genomic context (GRCh38, chr12:31,084,631, plus strand): 5'-TGCCTCCTGTAGGCGGAGCAGGCCAGGAGGAAGCAGCGAGAAGAACGCCTGCAGCAGCTG[C>T]AGCACAGGGTGCAGCTCAAGTATGCAGCCAAGCGCCTGGTGAGCCTCATTTCTTGGGGGG-3'

ClinVar aggregate classification (germline): Pathogenic (1 of 4 stars; one submission).

Conditions:
Warsaw breakage syndrome (WABS). Also called: DDX11-Related Cohesinopathy. Identifiers: Orphanet 280558, MedGen C3150658, MONDO:0013252, OMIM 613398.

gnomAD v4.1: 1 of 1,595,248 alleles (0.000063%); highest among the groups gnomAD compares: Non-Finnish European, 0.000086%; no homozygotes.

Submission:

Women's Health and Genetics/Laboratory Corporation of America, LabCorp
Classification: Pathogenic for Warsaw breakage syndrome. Last evaluated: 2025-09-05. Review status: criteria provided, single submitter. Criteria: LabCorp Variant Classification Summary - May 2015. Collection method: clinical testing. Allele origin: germline.
Comment: Variant summary: DDX11 c.442C>T (p.Gln148X) results in a premature termination codon, predicted to cause a truncation of the encoded protein or absence of the protein due to nonsense mediated decay, which are commonly known mechanisms for disease. The variant was absent in 215228 control chromosomes. To our knowledge, no occurrence of c.442C>T in individuals affected with DDX11-related conditions and no experimental evidence demonstrating its impact on protein function have been reported. No submitters have cited clinical-significance assessments for this variant to ClinVar. Based on the evidence outlined above, the variant was classified as pathogenic.